The following is an entry in ClinVar:

ClinVar aggregate classification (germline): Uncertain significance (1 of 4 stars; one submission).

Conditions:
Neurofibromatosis, type 1 (NF1). Also called: VON RECKLINGHAUSEN DISEASE; NEUROFIBROMATOSIS, TYPE I, SOMATIC; Neurofibromatosis, type I; Peripheral type neurofibromatosis. Identifiers: Orphanet 636, MedGen C0027831, MONDO:0018975, OMIM 162200. Disease mechanism: loss of function.

Submission:

Labcorp Genetics (formerly Invitae), Labcorp
Classification: Uncertain significance for Neurofibromatosis, type 1. Last evaluated: 2023-01-30. Review status: criteria provided, single submitter. Criteria: Invitae Variant Classification Sherloc (09022015). Collection method: clinical testing. Allele origin: germline.
Comment: This variant has not been reported in the literature in individuals affected with NF1-related conditions. Advanced modeling of protein sequence and biophysical properties (such as structural, functional, and spatial information, amino acid conservation, physicochemical variation, residue mobility, and thermodynamic stability) performed at Invitae indicates that this missense variant is expected to disrupt NF1 protein function. In summary, the available evidence is currently insufficient to determine the role of this variant in disease. Therefore, it has been classified as a Variant of Uncertain Significance. This variant is not present in population databases (gnomAD no frequency). This sequence change replaces leucine, which is neutral and non-polar, with isoleucine, which is neutral and non-polar, at codon 1848 of the NF1 protein (p.Leu1848Ile).

NM_001042492.3(NF1):c.5605T>A (p.Leu1869Ile)

Gene: NF1 (neurofibromin 1; plus strand). Cytogenetic location: 17q11.2.
Variant type: single nucleotide variant.
Coding change: c.5605T>A on transcript NM_001042492.3 (MANE Select); coding-DNA position 5605, T replaced by A.
Protein change: p.Leu1869Ile; replaces leucine 1869 with isoleucine.
Molecular consequence: missense variant.
Genome position (GRCh38, 1-based): chr17:31,327,835, T>A. VCF-style: chr17-31327835-T-A. GRCh37 (hg19) VCF-style: chr17-29654853-T-A.
Other names: c.5542T>A, p.Leu1848Ile (NM_000267.4); short protein forms L1869I, L1848I.
Identifiers: ClinVar variation 2827377 (VCV002827377.3), dbSNP rs2151541961, ClinGen allele CA399010067.